The following is an entry in ClinVar:

NM_001170629.2(CHD8):c.3307+6G>A

Gene: CHD8 (chromodomain helicase DNA binding protein 8; minus strand). Cytogenetic location: 14q11.2.
Variant type: single nucleotide variant.
Coding change: c.3307+6G>A on transcript NM_001170629.2 (MANE Select); 6 bases into the intron after coding-DNA position 3307, G replaced by A.
Molecular consequence: intron variant.
Genome position (GRCh38, 1-based): chr14:21,405,203, C>T on the plus strand (G>A on the coding strand, the complement: CHD8 is on the minus strand). VCF-style: chr14-21405203-C-T. GRCh37 (hg19) VCF-style: chr14-21873362-C-T.
Other names: c.2470+6G>A (NM_020920.4).
Identifiers: ClinVar variation 2089596 (VCV002089596.4), dbSNP rs2501910416, ClinGen allele CA2580087832.

ClinVar aggregate classification (germline): Uncertain significance (1 of 4 stars; one submission).

Submission:

Labcorp Genetics (formerly Invitae), Labcorp
Classification: Uncertain significance. Last evaluated: 2022-07-01. Review status: criteria provided, single submitter. Criteria: Invitae Variant Classification Sherloc (09022015). Collection method: clinical testing. Allele origin: germline.
Comment: Variants that disrupt the consensus splice site are a relatively common cause of aberrant splicing (PMID: 17576681, 9536098). Algorithms developed to predict the effect of sequence changes on RNA splicing suggest that this variant is not likely to affect RNA splicing. In summary, the available evidence is currently insufficient to determine the role of this variant in disease. Therefore, it has been classified as a Variant of Uncertain Significance. This variant has not been reported in the literature in individuals affected with CHD8-related conditions. This variant is not present in population databases (gnomAD no frequency). This sequence change falls in intron 15 of the CHD8 gene. It does not directly change the encoded amino acid sequence of the CHD8 protein. It affects a nucleotide within the consensus splice site.

Literature cited by the submitters: PubMed 17576681; PubMed 9536098.